The following is an entry in ClinVar:

ClinVar aggregate classification (germline): Likely pathogenic (1 of 4 stars; one submission).

Conditions:
Non-acquired combined pituitary hormone deficiency with spine abnormalities (CPHD3). Also called: Winkelman Bethge Pfeiffer syndrome; WBP syndrome; Combined pituitary hormone deficiency type 3. Identifiers: Orphanet 231720, MedGen C3489787, MONDO:0009091, OMIM 221750.

Submission:

Natera, Inc.
Classification: Likely pathogenic for Combined pituitary hormone deficiency type 3. Last evaluated: 2025-09-15. Review status: criteria provided, single submitter. Criteria: Natera Variant Classification Schema (03/2026). Collection method: clinical testing. Allele origin: germline.
Comment: The c.694dupT variant in LHX3 is a frameshift variant predicted to shift the reading frame beginning at codon 232 and leads to a stop codon 28 codons downstream. This variant is expected to result in nonsense mediated decay, truncation, or a dysfunctional protein product. This variant is rare in the general population with a frequency below the threshold expected for the associated phenotype(s). Given the available evidence, this variant is classified as Likely Pathogenic.

NM_178138.6(LHX3):c.679dup (p.Tyr227fs)

Gene: LHX3 (LIM homeobox 3; minus strand). Cytogenetic location: 9q34.3.
Variant type: Duplication.
Coding change: c.679dup on transcript NM_178138.6 (MANE Select); coding-DNA position 679, one base duplicated (T; older notation c.679dupT).
Protein change: p.Tyr227fs; shifts the reading frame from tyrosine 227.
Molecular consequence: frameshift variant.
Genome position (GRCh38, 1-based): chr9:136,198,748, A duplicated on the plus strand (T on the coding strand, the reverse complement: LHX3 is on the minus strand). VCF-style (leftmost placement, unchanged base first): chr9-136198747-T-TA. GRCh37 (hg19) VCF-style: chr9-139090593-T-TA.
Other names: c.646dup, p.Tyr216fs (NM_001363746.1); c.694dup, p.Tyr232fs (NM_014564.5); short protein forms Y216fs, Y227fs, Y232fs.
Identifiers: ClinVar variation 4815726 (VCV004815726.1).